The following is an entry in ClinVar:

NM_002354.3(EPCAM):c.879A>T (p.Arg293Ser)

Gene: EPCAM (epithelial cell adhesion molecule; plus strand). Cytogenetic location: 2p21.
Variant type: single nucleotide variant.
Coding change: c.879A>T on transcript NM_002354.3 (MANE Select); coding-DNA position 879, A replaced by T.
Protein change: p.Arg293Ser; replaces arginine 293 with serine.
Molecular consequence: missense variant.
Genome position (GRCh38, 1-based): chr2:47,385,186, A>T. VCF-style: chr2-47385186-A-T. GRCh37 (hg19) VCF-style: chr2-47612325-A-T.
Other names: short protein forms R293S.
Identifiers: ClinVar variation 3222145 (VCV003222145.1), dbSNP rs1159272212, ClinGen allele CA346725303.

ClinVar aggregate classification (germline): Uncertain significance (1 of 4 stars; one submission).

Conditions:
Hereditary cancer-predisposing syndrome. Also called: Tumor predisposition; Hereditary neoplastic syndrome; Hereditary Cancer Syndrome; Neoplastic Syndromes, Hereditary. Identifiers: Orphanet 140162, MedGen C0027672, MeSH D009386, MONDO:0015356.

Allele frequency attached by ClinVar (database versions not stated): gnomAD exomes below 0.00001.
gnomAD v4.1: 1 of 1,613,250 alleles (0.000062%); highest among the groups gnomAD compares: Admixed American, 0.0017%; no homozygotes.

Submission:

Ambry Genetics
Classification: Uncertain significance for Hereditary cancer-predisposing syndrome. Last evaluated: 2023-12-14. Review status: criteria provided, single submitter. Criteria: Ambry Variant Classification Scheme 2023. Collection method: clinical testing. Allele origin: germline.
Comment: The p.R293S variant (also known as c.879A>T), located in coding exon 8 of the EPCAM gene, results from an A to T substitution at nucleotide position 879. The arginine at codon 293 is replaced by serine, an amino acid with dissimilar properties. This amino acid position is conserved. In addition, this alteration is predicted to be tolerated by in silico analysis. Since supporting evidence is limited at this time, the clinical significance of this alteration remains unclear.